The following is an entry in ClinVar:

ClinVar aggregate classification (germline): Uncertain significance. Review status: criteria provided, multiple submitters, no conflicts (2 of 4 stars). 2 submissions from 2 submitters: Uncertain significance (2). Last evaluated 2026-01-16.

Conditions:
Thrombophilia due to protein C deficiency, autosomal dominant. Also called: PROC DEFICIENCY, AUTOSOMAL DOMINANT; PROTEIN C DEFICIENCY, AUTOSOMAL DOMINANT. Identifiers: Orphanet 745, MedGen C2674321, MONDO:0008316, OMIM 176860. Disease mechanism: loss of function.

Submissions (2):

Women's Health and Genetics/Laboratory Corporation of America, LabCorp
Classification: Uncertain significance. Last evaluated: 2026-01-16. Review status: criteria provided, single submitter. Criteria: LabCorp Variant Classification Summary - May 2015. Collection method: clinical testing. Allele origin: germline.
Comment: Variant summary: PROC c.837C>A (p.Asp279Glu) results in a conservative amino acid change in the encoded protein sequence. Algorithms developed to predict the effect of missense changes on protein structure and function all suggest that this variant is likely to be tolerated. The variant was absent in 251248 control chromosomes. The available data on variant occurrences in the general population are insufficient to allow any conclusion about variant significance. To our knowledge, no occurrence of c.837C>A in individuals affected with PROC-related conditions and no experimental evidence demonstrating its impact on protein function have been reported. ClinVar contains an entry for this variant (Variation ID: 3015471). Based on the evidence outlined above, the variant was classified as uncertain significance.

Labcorp Genetics (formerly Invitae), Labcorp
Classification: Uncertain significance for Thrombophilia due to protein C deficiency, autosomal dominant. Last evaluated: 2023-06-06. Review status: criteria provided, single submitter. Criteria: Invitae Variant Classification Sherloc (09022015). Collection method: clinical testing. Allele origin: germline.
Comment: In summary, the available evidence is currently insufficient to determine the role of this variant in disease. Therefore, it has been classified as a Variant of Uncertain Significance. Advanced modeling of protein sequence and biophysical properties (such as structural, functional, and spatial information, amino acid conservation, physicochemical variation, residue mobility, and thermodynamic stability) performed at Invitae indicates that this missense variant is not expected to disrupt PROC protein function. This variant has not been reported in the literature in individuals affected with PROC-related conditions. This variant is not present in population databases (gnomAD no frequency). This sequence change replaces aspartic acid, which is acidic and polar, with glutamic acid, which is acidic and polar, at codon 279 of the PROC protein (p.Asp279Glu).

NM_000312.4(PROC):c.837C>A (p.Asp279Glu)

Gene: PROC (protein C, inactivator of coagulation factors Va and VIIIa; plus strand). Cytogenetic location: 2q14.3.
Variant type: single nucleotide variant.
Coding change: c.837C>A on transcript NM_000312.4 (MANE Select); coding-DNA position 837, C replaced by A.
Protein change: p.Asp279Glu; replaces aspartic acid 279 with glutamic acid.
Molecular consequence: missense variant.
Genome position (GRCh38, 1-based): chr2:127,428,397, C>A. VCF-style: chr2-127428397-C-A. GRCh37 (hg19) VCF-style: chr2-128185973-C-A.
Other names: c.1020C>A, p.Asp340Glu (NM_001375602.1); c.1002C>A, p.Asp334Glu (NM_001375603.1); c.900C>A, p.Asp300Glu (NM_001375604.1); c.939C>A, p.Asp313Glu (NM_001375605.1); c.1005C>A, p.Asp335Glu (NM_001375606.1); c.1023C>A, p.Asp341Glu (NM_001375607.1); c.780C>A, p.Asp260Glu (NM_001375608.1); c.813C>A, p.Asp271Glu (NM_001375609.1); and 2 more; short protein forms D260E, D300E, D334E, D279E, D313E, D341E, D271E, D335E.
Identifiers: ClinVar variation 3015471 (VCV003015471.4), dbSNP rs778740796, ClinGen allele CA348404388.